The following is an entry in ClinVar:

NM_033305.3(VPS13A):c.4356del (p.Ser1452_Leu1453insTer)

Gene: VPS13A (vacuolar protein sorting 13 homolog A; plus strand). Cytogenetic location: 9q21.2.
Variant type: Deletion.
Coding change: c.4356del on transcript NM_033305.3 (MANE Select); coding-DNA position 4356, one base deleted (A; older notation c.4356delA).
Protein change: p.Ser1452_Leu1453insTer.
Molecular consequence: frameshift variant.
Genome position (GRCh38, 1-based): chr9:77,314,608, A deleted. VCF-style (leftmost placement, unchanged base first): chr9-77314607-CA-C. GRCh37 (hg19) VCF-style: chr9-79929523-CA-C.
Other names: c.4239del, p.Ser1413_Leu1414insTer (NM_001018037.2); c.4356del, p.Ser1452_Leu1453insTer (NM_001018038.3, NM_015186.4).
Identifiers: ClinVar variation 2671682 (VCV002671682.1), dbSNP rs2537979982, ClinGen allele CA2695201591.

ClinVar aggregate classification (germline): Likely pathogenic (1 of 4 stars; one submission).

Conditions:
VPS13A-related neurodegenerative disease. Also called: LEVINE-CRITCHLEY SYNDROME; Choreoacanthocytosis; Chorea-acanthocytosis; Choreaacanthocytosis; VPS13A Disease; ACANTHOCYTOSIS WITH NEUROLOGIC DISORDER. Identifiers: Orphanet 2388, MedGen C0393576, MONDO:0008695, OMIM 200150.

Submission:

Neuberg Centre For Genomic Medicine, NCGM
Classification: Likely pathogenic for VPS13A-related neurodegenerative disease. Last evaluated: 2023-03-01. Review status: criteria provided, single submitter. Criteria: ACMG Guidelines, 2015. Collection method: clinical testing. Allele origin: germline. Inheritance: Autosomal recessive inheritance. Affected: yes.
Comment: The frameshift c.4356del(p.Leu1453Ter) variant in VPS13A gene has not been reported previously as a pathogenic variant nor a benign variant, to our knowledge. The c.4356del variant is novel (not in any individuals) in gnomAD Exomes and 1000 Genomes. This variant has not been reported to the ClinVar database. This variant is predicted to cause loss of normal protein function through protein truncation. Loss of function variants have been previously reported to be disease causing. For these reasons, this variant has been classified as Likely Pathogenic.